The following is an entry in ClinVar:

NM_001042492.3(NF1):c.6316G>C (p.Val2106Leu)

Gene: NF1 (neurofibromin 1; plus strand). Cytogenetic location: 17q11.2.
Variant type: single nucleotide variant.
Coding change: c.6316G>C on transcript NM_001042492.3 (MANE Select); coding-DNA position 6316, G replaced by C.
Protein change: p.Val2106Leu; replaces valine 2106 with leucine.
Molecular consequence: missense variant.
Genome position (GRCh38, 1-based): chr17:31,336,803, G>C. VCF-style: chr17-31336803-G-C. GRCh37 (hg19) VCF-style: chr17-29663821-G-C.
Other names: c.6253G>C, p.Val2085Leu (NM_000267.4); short protein forms V2085L, V2106L.
Identifiers: ClinVar variation 1375432 (VCV001375432.6), dbSNP rs755791578, ClinGen allele CA399012688.
Genomic context (GRCh38, chr17:31,336,803, plus strand): 5'-CTGATGCTGTCCTTCAACAATTCCCTTGATGTGGCAGCTCATCTTCCCTACCTCTTCCAC[G>C]TTGTTACTTTCTTAGTAGCCACAGGTCCGCTCTCCCTTAGAGCTTCCACACATGGACTGG-3'
Protein context (NP_001035957.1, residues 2096-2116): VAAHLPYLFH[Val2106Leu]VTFLVATGPL

ClinVar aggregate classification (germline): Uncertain significance (1 of 4 stars; one submission).

Conditions:
Neurofibromatosis, type 1 (NF1). Also called: Peripheral type neurofibromatosis; Neurofibromatosis, type I; NEUROFIBROMATOSIS, TYPE I, SOMATIC; VON RECKLINGHAUSEN DISEASE. Identifiers: Orphanet 636, MedGen C0027831, MONDO:0018975, OMIM 162200. Disease mechanism: loss of function.

Submission:

Labcorp Genetics (formerly Invitae), Labcorp
Classification: Uncertain significance for Neurofibromatosis, type 1. Last evaluated: 2021-08-16. Review status: criteria provided, single submitter. Criteria: Invitae Variant Classification Sherloc (09022015). Collection method: clinical testing. Allele origin: germline.
Comment: In summary, the available evidence is currently insufficient to determine the role of this variant in disease. Therefore, it has been classified as a Variant of Uncertain Significance. Advanced modeling of protein sequence and biophysical properties (such as structural, functional, and spatial information, amino acid conservation, physicochemical variation, residue mobility, and thermodynamic stability) performed at Invitae indicates that this missense variant is not expected to disrupt NF1 protein function. This variant has not been reported in the literature in individuals affected with NF1-related conditions. This variant is not present in population databases (ExAC no frequency). This sequence change replaces valine with leucine at codon 2085 of the NF1 protein (p.Val2085Leu). The valine residue is moderately conserved and there is a small physicochemical difference between valine and leucine.